The following is an entry in ClinVar:

ClinVar aggregate classification (germline): Likely benign (0 of 4 stars; one submission).

Conditions:
COG6-related disorder.

Allele frequency attached by ClinVar (database versions not stated): ExAC 0.00001; gnomAD 0.00001; gnomAD exomes 0.00001; TOPMed 0.00002.
gnomAD v4.1: 11 of 1,612,890 alleles (0.00068%); highest among the groups gnomAD compares: Admixed American, 0.0067%; no homozygotes.

Submission:

PreventionGenetics, part of Exact Sciences
Classification: Likely benign for COG6-related condition. Last evaluated: 2020-03-27. Review status: no assertion criteria provided. Collection method: clinical testing. Allele origin: germline.
Comment: This variant is classified as likely benign based on ACMG/AMP sequence variant interpretation guidelines (Richards et al. 2015 PMID: 25741868, with internal and published modifications).

NM_020751.3(COG6):c.1764T>C (p.Tyr588=)

Gene: COG6 (component of oligomeric golgi complex 6; plus strand). Cytogenetic location: 13q14.11.
Variant type: single nucleotide variant.
Coding change: c.1764T>C on transcript NM_020751.3 (MANE Select); coding-DNA position 1764, T replaced by C.
Protein change: p.Tyr588=; no amino-acid change (tyrosine 588 retained).
Molecular consequence: synonymous variant. On other transcripts: non-coding transcript variant (1).
Genome position (GRCh38, 1-based): chr13:39,727,486, T>C. VCF-style: chr13-39727486-T-C. GRCh37 (hg19) VCF-style: chr13-40301623-T-C.
Other names: c.1764T>C, p.Tyr588= (NM_001145079.2).
Identifiers: ClinVar variation 3055110 (VCV003055110.2), dbSNP rs778376901, ClinGen allele CA6958806.